The following is an entry in ClinVar:

NM_001371928.1(AHDC1):c.772_786del (p.Leu258_Gln262del)

Gene: AHDC1 (AT-hook DNA binding motif containing 1; minus strand). Cytogenetic location: 1p36.11.
Variant type: Deletion.
Coding change: c.772_786del on transcript NM_001371928.1 (MANE Select); coding-DNA positions 772 to 786, 15 bases deleted (CTGCTAGAGGCCCAG).
Protein change: p.Leu258_Gln262del.
Genome position (GRCh38, 1-based): chr1:27,551,330-27,551,344, CTGGGCCTCTAGCAG deleted on the plus strand (CTGCTAGAGGCCCAG on the coding strand, the reverse complement: AHDC1 is on the minus strand); deleting any 15 consecutive bases within chr1:27,551,330-27,551,354 gives the same sequence; the c. name uses the placement nearest the transcript's 3' end. VCF-style (leftmost placement, unchanged base first): chr1-27551329-CCTGGGCCTCTAGCAG-C. GRCh37 (hg19) VCF-style: chr1-27877840-CCTGGGCCTCTAGCAG-C.
Other names: c.772_786del, p.Leu258_Gln262del (NM_001029882.3).
Identifiers: ClinVar variation 4083346 (VCV004083346.1).
Genomic context (GRCh38, chr1:27,551,329, plus strand): 5'-GGAAGCGGGGCTGGGGGTCCAGGAGCTGAGGCTCCGGCTCGGGCGATGGTGGCTCGAGGG[CCTGGGCCTCTAGCAG>C]CTGGGCCTCTGGGCAAGTGAGGGAGGCCAGCTCACTAAGGATGTCGGCGTCAGCAAGTTC-3'

ClinVar aggregate classification (germline): Uncertain significance (1 of 4 stars; one submission).

Submission:

GeneDx
Classification: Uncertain significance. Last evaluated: 2025-03-14. Review status: criteria provided, single submitter. Criteria: GeneDx Variant Classification Process June 2021. Collection method: clinical testing. Allele origin: germline. Affected: yes.
Comment: In-frame deletion of 5 amino acid(s) in a non-repeat region; In silico analysis supports a deleterious effect on protein structure/function; Has not been previously published as pathogenic or benign to our knowledge